The following is an entry in ClinVar:

ClinVar aggregate classification (germline): Uncertain significance (1 of 4 stars; one submission).

Conditions:
Inborn genetic diseases. Identifiers: MedGen C0950123, MeSH D030342.

gnomAD v4.1: 18 of 1,612,446 alleles (0.0011%); highest among the groups gnomAD compares: Admixed American, 0.013%; no homozygotes.

Submission:

Ambry Genetics
Classification: Uncertain significance for Inborn genetic diseases. Last evaluated: 2026-03-02. Review status: criteria provided, single submitter. Criteria: Ambry Variant Classification Scheme 2023. Collection method: clinical testing. Allele origin: germline.
Comment: The c.1624G>A (p.V542M) alteration is located in exon 14 (coding exon 14) of the SUPT16H gene. This alteration results from a G to A substitution at nucleotide position 1624, causing the valine (V) at amino acid position 542 to be replaced by a methionine (M). Based on data from gnomAD, the A allele has an overall frequency of 0.004% (11/249622) total alleles studied. The highest observed frequency was 0.023% (8/34254) of Latino alleles. Based on insufficient or conflicting evidence, the clinical significance of this alteration remains unclear.

NM_007192.4(SUPT16H):c.1624G>A (p.Val542Met)

Gene: SUPT16H (SPT16 homolog, facilitates chromatin remodeling subunit; minus strand). Cytogenetic location: 14q11.2.
Variant type: single nucleotide variant.
Coding change: c.1624G>A on transcript NM_007192.4 (MANE Select); coding-DNA position 1624, G replaced by A.
Protein change: p.Val542Met; replaces valine 542 with methionine.
Molecular consequence: missense variant.
Genome position (GRCh38, 1-based): chr14:21,362,835, C>T on the plus strand (G>A on the coding strand, the complement: SUPT16H is on the minus strand). VCF-style: chr14-21362835-C-T. GRCh37 (hg19) VCF-style: chr14-21830994-C-T.
Other names: short protein forms V542M.
Identifiers: ClinVar variation 4827803 (VCV004827803.1).
Genomic context (GRCh38, chr14:21,362,835, plus strand): 5'-ATGCACTGAATGTCAGTACCTTGATTGTGGCAATGTGAAACGGTGTTGCAATGCCAAACA[C>T]GGGCATTATTACAGTCTCATATTTCTTATCGATGTAGATCTTCATTTCCCGAATATGTGG-3'
Protein context (NP_009123.1, residues 532-552): DKKYETVIMP[Val542Met]FGIATPFHIA